The following is an entry in ClinVar:

NM_020366.4(RPGRIP1):c.1875G>T (p.Glu625Asp)

Gene: RPGRIP1 (RPGR interacting protein 1; plus strand). Cytogenetic location: 14q11.2.
Variant type: single nucleotide variant.
Coding change: c.1875G>T on transcript NM_020366.4 (MANE Select); coding-DNA position 1875, G replaced by T.
Protein change: p.Glu625Asp; replaces glutamic acid 625 with aspartic acid.
Molecular consequence: missense variant. On other transcripts: intron variant (4).
Genome position (GRCh38, 1-based): chr14:21,324,730, G>T. VCF-style: chr14-21324730-G-T. GRCh37 (hg19) VCF-style: chr14-21792889-G-T.
Other names: c.801G>T, p.Glu267Asp (NM_001377948.1); c.796+5G>T (NM_001377949.1); c.688+2726G>T (NM_001377523.1, NM_001377950.1); c.190+2726G>T (NM_001377951.1); short protein forms E267D, E625D.
Identifiers: ClinVar variation 2056472 (VCV002056472.4), dbSNP rs2502810500, ClinGen allele CA388867099.
Genomic context (GRCh38, chr14:21,324,730, plus strand): 5'-AACACTGCCAGCCCATGGAGATGAGGATAAAGTGGATATTTCTCTGCTGCATCAGGGTGA[G>T]AATCTTTTTGAACTGCACATCCACCAGGCCTTCCTGACATCTGCCGCCCTAGCTCAGGCT-3'
Protein context (NP_065099.3, residues 615-635): KVDISLLHQG[Glu625Asp]NLFELHIHQA

ClinVar aggregate classification (germline): Uncertain significance (1 of 4 stars; one submission).

Conditions:
Leber congenital amaurosis 6 (LCA6). Identifiers: Orphanet 65, MedGen C1854260, MONDO:0013446, OMIM 613826.
Cone-rod dystrophy 13 (CORD13). Identifiers: Orphanet 1872, MedGen C2750720, MONDO:0011987, OMIM 608194.

Allele frequency attached by ClinVar (database versions not stated): gnomAD exomes below 0.00001.
gnomAD v4.1: 1 of 1,614,050 alleles (0.000062%); highest among the groups gnomAD compares: Admixed American, 0.0017%; no homozygotes.

Submission:

Labcorp Genetics (formerly Invitae), Labcorp
Classification: Uncertain significance for Leber congenital amaurosis 6; Cone-rod dystrophy 13. Last evaluated: 2022-03-17. Review status: criteria provided, single submitter. Criteria: Invitae Variant Classification Sherloc (09022015). Collection method: clinical testing. Allele origin: germline.
Comment: This variant is not present in population databases (gnomAD no frequency). This sequence change replaces glutamic acid, which is acidic and polar, with aspartic acid, which is acidic and polar, at codon 625 of the RPGRIP1 protein (p.Glu625Asp). This variant has not been reported in the literature in individuals affected with RPGRIP1-related conditions. Algorithms developed to predict the effect of missense changes on protein structure and function output the following: SIFT: "Tolerated"; PolyPhen-2: "Benign"; Align-GVGD: "Class C0". The aspartic acid amino acid residue is found in multiple mammalian species, which suggests that this missense change does not adversely affect protein function. Algorithms developed to predict the effect of sequence changes on RNA splicing suggest that this variant may disrupt the consensus splice site. In summary, the available evidence is currently insufficient to determine the role of this variant in disease. Therefore, it has been classified as a Variant of Uncertain Significance.